The following is an entry in ClinVar:

ClinVar aggregate classification (germline): Uncertain significance (1 of 4 stars; one submission).

Conditions:
Early-infantile DEE. Also called: Ohtahara syndrome; Early infantile epileptic encephalopathy; Early infantile epileptic encephalopathy with suppression bursts. Identifiers: Orphanet 1934, MedGen C0393706, MONDO:0800491.

gnomAD v4.1: 1 of 1,613,748 alleles (0.000062%); highest among the groups gnomAD compares: Non-Finnish European, 0.000085%; no homozygotes.

Submission:

Labcorp Genetics (formerly Invitae), Labcorp
Classification: Uncertain significance for Early-infantile DEE. Last evaluated: 2021-03-29. Review status: criteria provided, single submitter. Criteria: Invitae Variant Classification Sherloc (09022015). Collection method: clinical testing. Allele origin: germline.
Comment: This sequence change replaces serine with arginine at codon 522 of the KCNQ2 protein (p.Ser522Arg). The serine residue is highly conserved and there is a moderate physicochemical difference between serine and arginine. This variant is not present in population databases (ExAC no frequency). This variant has been observed in individual(s) with clinical features of KCNQ2-related conditions (Invitae). Advanced modeling of protein sequence and biophysical properties (such as structural, functional, and spatial information, amino acid conservation, physicochemical variation, residue mobility, and thermodynamic stability) performed at Invitae indicates that this missense variant is expected to disrupt KCNQ2 protein function. Algorithms developed to predict the effect of sequence changes on RNA splicing suggest that this variant may create or strengthen a splice site, but this prediction has not been confirmed by published transcriptional studies. In summary, the available evidence is currently insufficient to determine the role of this variant in disease. Therefore, it has been classified as a Variant of Uncertain Significance.

NM_172107.4(KCNQ2):c.1566C>G (p.Ser522Arg)

Gene: KCNQ2 (potassium voltage-gated channel subfamily Q member 2; minus strand). Cytogenetic location: 20q13.33.
Variant type: single nucleotide variant.
Coding change: c.1566C>G on transcript NM_172107.4 (MANE Select); coding-DNA position 1566, C replaced by G.
Protein change: p.Ser522Arg; replaces serine 522 with arginine.
Molecular consequence: missense variant.
Genome position (GRCh38, 1-based): chr20:63,414,153, G>C on the plus strand (C>G on the coding strand, the complement: KCNQ2 is on the minus strand). VCF-style: chr20-63414153-G-C. GRCh37 (hg19) VCF-style: chr20-62045506-G-C.
Other names: c.1512C>G, p.Ser504Arg (NM_001382235.1, NM_172106.3); c.1482C>G, p.Ser494Arg (NM_004518.6); c.1473C>G, p.Ser491Arg (NM_172108.5); short protein forms S522R, S494R, S491R, S504R.
Identifiers: ClinVar variation 1521331 (VCV001521331.9), dbSNP rs2145548165, ClinGen allele CA409645551.